The following is an entry in ClinVar:

ClinVar aggregate classification (germline): Uncertain significance. Review status: criteria provided, multiple submitters, no conflicts (2 of 4 stars). 2 submissions from 2 submitters: Uncertain significance (2). Last evaluated 2025-05-12.

Conditions:
Cardiomyopathy (CMYO). Also called: Cardiomyopathies. Identifiers: Orphanet 167848, MedGen C0878544, MONDO:0004994, HP:0001638. Inheritance: Various modes of inheritance.

Allele frequency attached by ClinVar (database versions not stated): gnomAD 0.00001; gnomAD exomes below 0.00001.
gnomAD v4.1: 2 of 1,608,680 alleles (0.00012%); highest among the groups gnomAD compares: African/African-American, 0.0013%; no homozygotes.

Submissions (2):

Color Diagnostics, LLC DBA Color Health
Classification: Uncertain significance for Cardiomyopathy. Last evaluated: 2025-05-12. Review status: criteria provided, single submitter. Criteria: ACMG Guidelines, 2015. Collection method: clinical testing. Allele origin: germline.
Comment: This missense variant replaces alanine with valine at codon 4357 of the RYR2 protein. Computational prediction suggests that this variant may not impact protein structure and function. To our knowledge, functional studies have not been reported for this variant. This variant has not been reported in individuals affected with RYR2-related disorders in the literature. This variant has not been identified in the general population by the Genome Aggregation Database (gnomAD). The available evidence is insufficient to determine the role of this variant in disease conclusively. Therefore, this variant is classified as a Variant of Uncertain Significance.

CHEO Genetics Diagnostic Laboratory, Children's Hospital of Eastern Ontario
Classification: Uncertain significance for Cardiomyopathy. Last evaluated: 2019-08-30. Review status: criteria provided, single submitter. Criteria: ACMG Guidelines, 2015. Collection method: clinical testing. Allele origin: germline.

NM_001035.3(RYR2):c.13070C>T (p.Ala4357Val)

Genes: RYR2 (ryanodine receptor 2; plus strand), LOC126806068 (BRD4-independent group 4 enhancer GRCh37_chr1:237947411-237948610; plus strand). Cytogenetic location: 1q43.
Variant type: single nucleotide variant.
Coding change: c.13070C>T on transcript NM_001035.3 (MANE Select); coding-DNA position 13070, C replaced by T.
Protein change: p.Ala4357Val; replaces alanine 4357 with valine.
Molecular consequence: missense variant.
Genome position (GRCh38, 1-based): chr1:237,784,782, C>T. VCF-style: chr1-237784782-C-T. GRCh37 (hg19) VCF-style: chr1-237948082-C-T.
Other names: short protein forms A4357V.
Identifiers: ClinVar variation 1329436 (VCV001329436.3), dbSNP rs1695412913, ClinGen allele CA345415188.
Genomic context (GRCh38, chr1:237,784,782, plus strand): 5'-CCACTCAGGATGAGGTTAGAGGAGATGGGGAGGAGGGAGAGAGGAAACCCCTGGAAGCCG[C>T]CCTGCCCTCCGAGGATCTGACCGACTTAAAGGAGCTGACAGAGGAAAGTGACCTTCTTTC-3'
Protein context (NP_001026.2, residues 4347-4367): EEGERKPLEA[Ala4357Val]LPSEDLTDLK